The following is an entry in ClinVar:

ClinVar aggregate classification (germline): Uncertain significance (1 of 4 stars; one submission).

Submission:

Labcorp Genetics (formerly Invitae), Labcorp
Classification: Uncertain significance. Last evaluated: 2025-04-01. Review status: criteria provided, single submitter. Criteria: Invitae Variant Classification Sherloc (09022015). Collection method: clinical testing. Allele origin: germline.
Comment: This sequence change replaces threonine, which is neutral and polar, with proline, which is neutral and non-polar, at codon 879 of the SLC12A6 protein (p.Thr879Pro). This variant is not present in population databases (gnomAD no frequency). This variant has not been reported in the literature in individuals affected with SLC12A6-related conditions. An algorithm developed to predict the effect of missense changes on protein structure and function (PolyPhen-2) suggests that this variant is likely to be disruptive. In summary, the available evidence is currently insufficient to determine the role of this variant in disease. Therefore, it has been classified as a Variant of Uncertain Significance.

NM_001365088.1(SLC12A6):c.2635A>C (p.Thr879Pro)

Gene: SLC12A6 (solute carrier family 12 member 6; minus strand). Cytogenetic location: 15q14.
Variant type: single nucleotide variant.
Coding change: c.2635A>C on transcript NM_001365088.1 (MANE Select); coding-DNA position 2635, A replaced by C.
Protein change: p.Thr879Pro; replaces threonine 879 with proline.
Molecular consequence: missense variant.
Genome position (GRCh38, 1-based): chr15:34,238,399, T>G on the plus strand (A>C on the coding strand, the complement: SLC12A6 is on the minus strand). VCF-style: chr15-34238399-T-G. GRCh37 (hg19) VCF-style: chr15-34530600-T-G.
Other names: c.2458A>C, p.Thr820Pro (NM_001042494.2, NM_001042495.2); c.2608A>C, p.Thr870Pro (NM_001042496.2); c.2590A>C, p.Thr864Pro (NM_001042497.2); c.2482A>C, p.Thr828Pro (NM_005135.2); c.2635A>C, p.Thr879Pro (NM_133647.2); short protein forms T820P, T870P, T864P, T828P, T879P.
Identifiers: ClinVar variation 4695391 (VCV004695391.1).
Genomic context (GRCh38, chr15:34,238,399, plus strand): 5'-AGAAGGAGATGTTTTTAGCCACCAGCAGTGCAAGATGGGCAGCAGTTGTCACTCGAACTG[T>G]GCCTAGGGAGAAAAAAGAATAAGCAGAGAAGAATCCTTAGGCTTGCCTTGCTTCCTAGCA-3'
Protein context (NP_001352017.1, residues 869-889): DARAWKTFIG[Thr879Pro]VRVTTAAHLA